The following is an entry in ClinVar:

NM_145290.4(ADGRA3):c.281C>A (p.Ser94Tyr)

Gene: ADGRA3 (adhesion G protein-coupled receptor A3; minus strand). Cytogenetic location: 4p15.2.
Variant type: single nucleotide variant.
Coding change: c.281C>A on transcript NM_145290.4 (MANE Select); coding-DNA position 281, C replaced by A.
Protein change: p.Ser94Tyr; replaces serine 94 with tyrosine.
Molecular consequence: missense variant.
Genome position (GRCh38, 1-based): chr4:22,473,820, G>T on the plus strand (C>A on the coding strand, the complement: ADGRA3 is on the minus strand). VCF-style: chr4-22473820-G-T. GRCh37 (hg19) VCF-style: chr4-22475443-G-T.
Other names: short protein forms S94Y.
Identifiers: ClinVar variation 1047809 (VCV001047809.10), dbSNP rs1717941331, ClinGen allele CA356481245.

ClinVar aggregate classification (germline): Uncertain significance (1 of 4 stars; one submission).

Submission:

Labcorp Genetics (formerly Invitae), Labcorp
Classification: Uncertain significance. Last evaluated: 2022-09-24. Review status: criteria provided, single submitter. Criteria: Invitae Variant Classification Sherloc (09022015). Collection method: clinical testing. Allele origin: germline.
Comment: This variant has not been reported in the literature in individuals affected with ADGRA3-related conditions. This sequence change replaces serine, which is neutral and polar, with tyrosine, which is neutral and polar, at codon 94 of the ADGRA3 protein (p.Ser94Tyr). This variant is not present in population databases (gnomAD no frequency). ClinVar contains an entry for this variant (Variation ID: 1047809). Algorithms developed to predict the effect of missense changes on protein structure and function are either unavailable or do not agree on the potential impact of this missense change (SIFT: "Deleterious"; PolyPhen-2: "Possibly Damaging"; Align-GVGD: "Class C0"). In summary, the available evidence is currently insufficient to determine the role of this variant in disease. Therefore, it has been classified as a Variant of Uncertain Significance.